The following is an entry in ClinVar:

ClinVar aggregate classification (germline): Uncertain significance (1 of 4 stars; one submission).

Submission:

Mayo Clinic Laboratories, Mayo Clinic
Classification: Uncertain significance. Last evaluated: 2025-07-16. Review status: criteria provided, single submitter. Criteria: ACMG Guidelines, 2015. Collection method: clinical testing. Allele origin: germline. Observed: 1 variant allele.
Comment: PP3_strong, PM2_supporting

NM_001378452.1(ITPR1):c.3880T>C (p.Cys1294Arg)

Gene: ITPR1 (inositol 1,4,5-trisphosphate receptor type 1; plus strand). Cytogenetic location: 3p26.1.
Variant type: single nucleotide variant.
Coding change: c.3880T>C on transcript NM_001378452.1 (MANE Select); coding-DNA position 3880, T replaced by C.
Protein change: p.Cys1294Arg; replaces cysteine 1294 with arginine.
Molecular consequence: missense variant.
Genome position (GRCh38, 1-based): chr3:4,691,195, T>C. VCF-style: chr3-4691195-T-C. GRCh37 (hg19) VCF-style: chr3-4732879-T-C.
Other names: p.Cys1270Arg; c.3853T>C, p.Cys1285Arg (NM_001099952.4); c.3835T>C, p.Cys1279Arg (NM_001168272.2); c.3808T>C, p.Cys1270Arg (NM_002222.7); short protein forms C1270R, C1294R, C1279R, C1285R.
Identifiers: ClinVar variation 4540836 (VCV004540836.1).